The following is an entry in ClinVar:

NM_014159.7(SETD2):c.1590T>G (p.Cys530Trp)

Gene: SETD2 (SET domain containing 2, histone lysine methyltransferase; minus strand). Cytogenetic location: 3p21.31.
Variant type: single nucleotide variant.
Coding change: c.1590T>G on transcript NM_014159.7 (MANE Select); coding-DNA position 1590, T replaced by G.
Protein change: p.Cys530Trp; replaces cysteine 530 with tryptophan.
Molecular consequence: missense variant. On other transcripts: non-coding transcript variant (1).
Genome position (GRCh38, 1-based): chr3:47,123,046, A>C on the plus strand (T>G on the coding strand, the complement: SETD2 is on the minus strand). VCF-style: chr3-47123046-A-C. GRCh37 (hg19) VCF-style: chr3-47164536-A-C.
Other names: c.1458T>G, p.Cys486Trp (NM_001349370.3); short protein forms C486W, C530W.
Identifiers: ClinVar variation 941321 (VCV000941321.7), dbSNP rs998829034, ClinGen allele CA73811229.

ClinVar aggregate classification (germline): Uncertain significance (1 of 4 stars; one submission).

Conditions:
Luscan-Lumish syndrome. Identifiers: Orphanet 597738, MedGen C4085873, MONDO:0014791, OMIM 616831.

Submission:

Labcorp Genetics (formerly Invitae), Labcorp
Classification: Uncertain significance for Luscan-Lumish syndrome. Last evaluated: 2020-01-28. Review status: criteria provided, single submitter. Criteria: Invitae Variant Classification Sherloc (09022015). Collection method: clinical testing. Allele origin: germline.
Comment: In summary, the available evidence is currently insufficient to determine the role of this variant in disease. Therefore, it has been classified as a Variant of Uncertain Significance. Algorithms developed to predict the effect of missense changes on protein structure and function are either unavailable or do not agree on the potential impact of this missense change (SIFT: "Deleterious"; PolyPhen-2: "Possibly Damaging"; Align-GVGD: "Class C0"). This variant has not been reported in the literature in individuals with SETD2-related conditions. This variant is not present in population databases (ExAC no frequency). This sequence change replaces cysteine with tryptophan at codon 530 of the SETD2 protein (p.Cys530Trp). The cysteine residue is moderately conserved and there is a large physicochemical difference between cysteine and tryptophan.